The following is an entry in ClinVar:

ClinVar aggregate classification (germline): Uncertain significance (1 of 4 stars; one submission).

Conditions:
Hereditary cancer-predisposing syndrome. Also called: Neoplastic Syndromes, Hereditary; Tumor predisposition; Hereditary Cancer Syndrome; Hereditary neoplastic syndrome. Identifiers: Orphanet 140162, MedGen C0027672, MeSH D009386, MONDO:0015356.

Submission:

Ambry Genetics
Classification: Uncertain significance for Hereditary cancer-predisposing syndrome. Last evaluated: 2016-10-24. Review status: criteria provided, single submitter. Criteria: Ambry Variant Classification Scheme 2023. Collection method: clinical testing. Allele origin: germline.
Comment: The p.N1028I variant (also known as c.3083A>T), located in coding exon 20 of the RAD50 gene, results from an A to T substitution at nucleotide position 3083. The asparagine at codon 1028 is replaced by isoleucine, an amino acid with dissimilar properties. This variant was not reported in population based cohorts in the following databases: Database of Single Nucleotide Polymorphisms (dbSNP), NHLBI Exome Sequencing Project (ESP), and 1000 Genomes Project. In the ESP, this variant was not observed in 6499 samples (12998 alleles) with coverage at this position. To date, this alteration has been detected with an allele frequency of approximately 0.001% (greater than 175000 alleles tested) in our clinical cohort. This amino acid position is well conserved in available vertebrate species. In addition, this alteration is predicted to be tolerated by in silico analysis. Since supporting evidence is limited at this time, the clinical significance of this alteration remains unclear.

NM_005732.4(RAD50):c.3083A>T (p.Asn1028Ile)

Gene: RAD50 (RAD50 double strand break repair protein; plus strand). Cytogenetic location: 5q31.1.
Variant type: single nucleotide variant.
Coding change: c.3083A>T on transcript NM_005732.4 (MANE Select); coding-DNA position 3083, A replaced by T.
Protein change: p.Asn1028Ile; replaces asparagine 1028 with isoleucine.
Molecular consequence: missense variant.
Genome position (GRCh38, 1-based): chr5:132,616,049, A>T. VCF-style: chr5-132616049-A-T. GRCh37 (hg19) VCF-style: chr5-131951741-A-T.
Other names: short protein forms N1028I.
Identifiers: ClinVar variation 484677 (VCV000484677.5), dbSNP rs1554099786, ClinGen allele CA360963564.